The following is an entry in ClinVar:

NM_000059.4(BRCA2):c.2318C>G (p.Pro773Arg)

Gene: BRCA2 (BRCA2 DNA repair associated; plus strand). Cytogenetic location: 13q13.1.
Variant type: single nucleotide variant.
Coding change: c.2318C>G on transcript NM_000059.4 (MANE Select); coding-DNA position 2318, C replaced by G.
Protein change: p.Pro773Arg; replaces proline 773 with arginine.
Molecular consequence: missense variant. On other transcripts: non-coding transcript variant (1), intron variant (2).
Genome position (GRCh38, 1-based): chr13:32,336,673, C>G. VCF-style: chr13-32336673-C-G. GRCh37 (hg19) VCF-style: chr13-32910810-C-G.
Other names: c.2318C>G, p.Pro773Arg (NM_001406719.1, NM_001406720.1, NM_001432077.1); c.1909+3286C>G (NM_001406721.1); c.424+5643C>G (NM_001406722.1); short protein forms P773R.
Identifiers: ClinVar variation 4867845 (VCV004867845.1).

ClinVar aggregate classification (germline): Uncertain significance (1 of 4 stars; one submission).

Conditions:
Hereditary cancer-predisposing syndrome. Also called: Neoplastic Syndromes, Hereditary; Tumor predisposition; Hereditary Cancer Syndrome; Hereditary neoplastic syndrome. Identifiers: Orphanet 140162, MedGen C0027672, MeSH D009386, MONDO:0015356.

Submission:

Ambry Genetics
Classification: Uncertain significance for Hereditary cancer-predisposing syndrome. Last evaluated: 2026-04-28. Review status: criteria provided, single submitter. Criteria: Ambry Variant Classification Scheme 2023. Collection method: clinical testing. Allele origin: germline.
Comment: The p.P773R variant (also known as c.2318C>G), located in coding exon 10 of the BRCA2 gene, results from a C to G substitution at nucleotide position 2318. The proline at codon 773 is replaced by arginine, an amino acid with dissimilar properties. This amino acid position is conserved. In addition, this alteration is predicted to be tolerated by in silico analysis. Based on the available evidence, the clinical significance of this variant remains unclear.